The following is an entry in ClinVar:

NM_005670.4(EPM2A):c.797G>C (p.Cys266Ser)

Gene: EPM2A (EPM2A glucan phosphatase, laforin; minus strand). Cytogenetic location: 6q24.3.
Variant type: single nucleotide variant.
Coding change: c.797G>C on transcript NM_005670.4 (MANE Select); coding-DNA position 797, G replaced by C.
Protein change: p.Cys266Ser; replaces cysteine 266 with serine.
Molecular consequence: missense variant. On other transcripts: synonymous variant (1), non-coding transcript variant (1).
Genome position (GRCh38, 1-based): chr6:145,627,615, C>G on the plus strand (G>C on the coding strand, the complement: EPM2A is on the minus strand). VCF-style: chr6-145627615-C-G. GRCh37 (hg19) VCF-style: chr6-145948751-C-G.
Other names: c.797G>C, p.Cys266Ser (NM_001018041.2); c.555G>C, p.Leu185= (NM_001360057.2); c.383G>C, p.Cys128Ser (NM_001360064.2, NM_001360071.2, NM_001368131.1); c.335G>C, p.Cys112Ser (NM_001368129.2, NM_001368132.1); short protein forms C266S, C112S, C128S.
Identifiers: ClinVar variation 861457 (VCV000861457.7), dbSNP rs778069029, ClinGen allele CA4035075.

ClinVar aggregate classification (germline): Uncertain significance (1 of 4 stars; one submission).

Conditions:
Progressive myoclonic epilepsy. Also called: Familial progressive myoclonic epilepsy; Myoclonic Epilepsies, Progressive; Myoclonus epilepsy; Progressive myoclonus epilepsy. Identifiers: Orphanet 308, Orphanet 98261, MedGen C0751778, MONDO:0020074.

Allele frequency attached by ClinVar (database versions not stated): gnomAD exomes below 0.00001; ExAC 0.00001.

Submission:

Labcorp Genetics (formerly Invitae), Labcorp
Classification: Uncertain significance for Progressive myoclonic epilepsy. Last evaluated: 2021-09-02. Review status: criteria provided, single submitter. Criteria: Invitae Variant Classification Sherloc (09022015). Collection method: clinical testing. Allele origin: germline.
Comment: This sequence change replaces cysteine with serine at codon 266 of the EPM2A protein (p.Cys266Ser). The cysteine residue is highly conserved and there is a moderate physicochemical difference between cysteine and serine. This variant is present in population databases (rs778069029, ExAC 0.01%). This variant has not been reported in the literature in individuals affected with EPM2A-related conditions. Algorithms developed to predict the effect of missense changes on protein structure and function (SIFT, PolyPhen-2, Align-GVGD) all suggest that this variant is likely to be disruptive. Experimental studies have shown that this missense change affects EPM2A function (PMID: 16311711, 18029386, 26493215, 28800070). In summary, the available evidence is currently insufficient to determine the role of this variant in disease. Therefore, it has been classified as a Variant of Uncertain Significance.

Literature cited by the submitters: PubMed 16311711; PubMed 18029386; PubMed 26493215; PubMed 28800070.